The following is an entry in ClinVar:

ClinVar aggregate classification (germline): Likely benign. Review status: criteria provided, multiple submitters, no conflicts (2 of 4 stars). 4 submissions from 4 submitters: Likely benign (4). Last evaluated 2025-06-30.

Conditions:
Hereditary cancer-predisposing syndrome. Also called: Tumor predisposition; Neoplastic Syndromes, Hereditary; Hereditary Cancer Syndrome; Hereditary neoplastic syndrome. Identifiers: Orphanet 140162, MedGen C0027672, MeSH D009386, MONDO:0015356.
Familial cancer of breast. Also called: Hereditary breast cancer; BREAST CANCER, FAMILIAL; hereditary breast carcinoma. Identifiers: Orphanet 227535, MedGen C0346153, MONDO:0016419, OMIM 114480. Disease mechanism: loss of function.
Ataxia-telangiectasia syndrome (AT). Also called: Ataxia-telangiectasia; Cerebello-oculocutaneous telangiectasia; Immunodeficiency with ataxia telangiectasia; ATAXIA-TELANGIECTASIA, COMPLEMENTATION GROUP A; ATAXIA-TELANGIECTASIA, FRESNO VARIANT; Ataxia-telangiectasia, complementation group D. Identifiers: Orphanet 100, MedGen C0004135, MONDO:0008840, OMIM 208900.

Allele frequency attached by ClinVar (database versions not stated): ExAC 0.00001; TOPMed 0.00001; gnomAD exomes 0.00002.

Submissions (4):

Labcorp Genetics (formerly Invitae), Labcorp
Classification: Likely benign for Ataxia-telangiectasia syndrome. Last evaluated: 2025-06-30. Review status: criteria provided, single submitter. Criteria: Invitae Variant Classification Sherloc (09022015). Collection method: clinical testing. Allele origin: germline.

Athena Diagnostics
Classification: Likely benign. Last evaluated: 2024-06-17. Review status: criteria provided, single submitter. Criteria: Athena Diagnostics Criteria. Collection method: clinical testing. Allele origin: unknown.

Myriad Genetics, Inc.
Classification: Likely benign for Familial cancer of breast. Last evaluated: 2024-05-09. Review status: criteria provided, single submitter. Criteria: Myriad Autosomal Dominant, Autosomal Recessive and X-Linked Classification Criteria (2023). Collection method: clinical testing. Allele origin: unknown.
Comment: This variant is considered likely benign. This variant is intronic and is not expected to impact mRNA splicing.

Color Diagnostics, LLC DBA Color Health
Classification: Likely benign for Hereditary cancer-predisposing syndrome. Last evaluated: 2017-11-02. Review status: criteria provided, single submitter. Criteria: ACMG Guidelines, 2015. Collection method: clinical testing. Allele origin: germline.

Literature cited by the submitters: PubMed 28779002 (cited by Athena Diagnostics).

NM_000051.4(ATM):c.2638+8C>T

Gene: ATM (ATM serine/threonine kinase; plus strand). Cytogenetic location: 11q22.3.
Variant type: single nucleotide variant.
Coding change: c.2638+8C>T on transcript NM_000051.4 (MANE Select); 8 bases into the intron after coding-DNA position 2638, C replaced by T.
Molecular consequence: intron variant.
Genome position (GRCh38, 1-based): chr11:108,267,350, C>T. VCF-style: chr11-108267350-C-T. GRCh37 (hg19) VCF-style: chr11-108138077-C-T.
Other names: c.2638+8C>T (NM_001351834.2).
Identifiers: ClinVar variation 414558 (VCV000414558.16), dbSNP rs776116433, ClinGen allele CA6265072.